The following is an entry in ClinVar:

NM_001399.5(EDA):c.742-2A>G

Gene: EDA (ectodysplasin A; plus strand). Cytogenetic location: Xq13.1.
Variant type: single nucleotide variant.
Coding change: c.742-2A>G on transcript NM_001399.5 (MANE Select); the canonical splice acceptor site of the intron before coding-DNA position 742, A replaced by G.
Molecular consequence: splice acceptor variant.
Genome position (GRCh38, 1-based): chrX:70,030,467, A>G. VCF-style: chrX-70030467-A-G. GRCh37 (hg19) VCF-style: chrX-69250317-A-G.
Other names: c.742-2A>G (NM_001005609.2, NM_001005612.3).
Identifiers: ClinVar variation 3724256 (VCV003724256.3).

ClinVar aggregate classification (germline): Pathogenic/Likely pathogenic. Review status: criteria provided, multiple submitters, no conflicts (2 of 4 stars). 2 submissions from 2 submitters: Pathogenic (1); Likely pathogenic (1). Last evaluated 2024-08-07.

Conditions:
EDA-related disorder. Also called: EDA-related condition; EDA-related disorders.
Hypohidrotic X-linked ectodermal dysplasia (XHED). Also called: Anhidrotic ectodermal dysplasia X-linked; Christ Siemens Touraine syndrome; ECTODERMAL DYSPLASIA, HYPOHIDROTIC, 1; CST SYNDROME; Ectodermal Dysplasia 1, Anhidrotic; ECTODERMAL DYSPLASIA 1, HYPOHIDROTIC/HAIR/TOOTH TYPE, X-LINKED. Identifiers: Orphanet 181, Orphanet 238468, MedGen C0162359, MONDO:0010585, OMIM 305100.

Submissions (2):

Labcorp Genetics (formerly Invitae), Labcorp
Classification: Pathogenic for Hypohidrotic X-linked ectodermal dysplasia. Last evaluated: 2024-08-07. Review status: criteria provided, single submitter. Criteria: Invitae Variant Classification Sherloc (09022015). Collection method: clinical testing. Allele origin: germline.
Comment: This sequence change affects an acceptor splice site in intron 5 of the EDA gene. It is expected to disrupt RNA splicing. Variants that disrupt the donor or acceptor splice site typically lead to a loss of protein function (PMID: 16199547), and loss-of-function variants in EDA are known to be pathogenic (PMID: 9683615). This variant is not present in population databases (gnomAD no frequency). Disruption of this splice site has been observed in individuals with ectodermal dysplasia (PMID: 11295832; Invitae). This variant is also known as IVS7-2A>G. Algorithms developed to predict the effect of sequence changes on RNA splicing suggest that this variant may disrupt the consensus splice site. For these reasons, this variant has been classified as Pathogenic.

Blueprint Genetics
Classification: Likely pathogenic for EDA-related disorders. Last evaluated: 2017-07-04. Review status: criteria provided, single submitter. Criteria: ACMG Guidelines, 2015. Collection method: clinical testing. Allele origin: germline. Affected: yes. Observed: 1 variant allele.

Literature cited by the submitters: PubMed 16199547 (cited by Labcorp Genetics (formerly Invitae), Labcorp); PubMed 9683615 (cited by Labcorp Genetics (formerly Invitae), Labcorp); PubMed 11295832 (cited by Labcorp Genetics (formerly Invitae), Labcorp).